The following is an entry in ClinVar:

ClinVar aggregate classification (germline): Likely benign. Review status: criteria provided, single submitter (1 of 4 stars). 2 submissions from 2 submitters: Likely benign (1). 1 of the submissions does not count toward it. Last evaluated 2025-07-03.

Conditions:
SPTB-related disorder. Also called: SPTB-related condition; SPTB-Related Disorders.

Allele frequency attached by ClinVar (database versions not stated): gnomAD 0.00001.
gnomAD v4.1: 15 of 1,613,762 alleles (0.00093%); highest among the groups gnomAD compares: East Asian, 0.0022%; no homozygotes.

Submissions (2):

ARUP Laboratories, Molecular Genetics and Genomics, ARUP Laboratories
Classification: Likely benign. Last evaluated: 2025-07-03. Review status: criteria provided, single submitter. Criteria: ARUP Molecular Germline Variant Investigation Process 2024. Collection method: clinical testing. Allele origin: germline.

PreventionGenetics, part of Exact Sciences
Classification: Likely benign for SPTB-related condition. Last evaluated: 2021-03-25. Review status: no assertion criteria provided. Collection method: clinical testing. Allele origin: germline. Not counted in ClinVar's aggregate classification.
Comment: This variant is classified as likely benign based on ACMG/AMP sequence variant interpretation guidelines (Richards et al. 2015 PMID: 25741868, with internal and published modifications).

NM_001355436.2(SPTB):c.1152C>T (p.His384=)

Gene: SPTB (spectrin beta, erythrocytic; minus strand). Cytogenetic location: 14q23.3.
Variant type: single nucleotide variant.
Coding change: c.1152C>T on transcript NM_001355436.2 (MANE Select); coding-DNA position 1152, C replaced by T.
Protein change: p.His384=; no amino-acid change (histidine 384 retained).
Molecular consequence: synonymous variant.
Genome position (GRCh38, 1-based): chr14:64,797,759, G>A on the plus strand (C>T on the coding strand, the complement: SPTB is on the minus strand). VCF-style: chr14-64797759-G-A. GRCh37 (hg19) VCF-style: chr14-65264477-G-A.
Other names: c.1152C>T, p.His384= (NM_001024858.4, NM_001355437.2).
Identifiers: ClinVar variation 3032600 (VCV003032600.3), dbSNP rs762308704, ClinGen allele CA7231210.